The following is an entry in ClinVar:

ClinVar aggregate classification (germline): Uncertain significance (1 of 4 stars; one submission).

Allele frequency attached by ClinVar (database versions not stated): gnomAD exomes below 0.00001; ExAC 0.00001; gnomAD 0.00001; TOPMed 0.00001.
gnomAD v4.1: 4 of 1,614,016 alleles (0.00025%); highest among the groups gnomAD compares: Non-Finnish European, 0.00034%; no homozygotes.

Submission:

Ambry Genetics
Classification: Uncertain significance. Last evaluated: 2024-05-05. Review status: criteria provided, single submitter. Criteria: Ambry Variant Classification Scheme 2023. Collection method: clinical testing. Allele origin: germline.
Comment: The p.H237D variant (also known as c.709C>G), located in coding exon 4 of the MNDA gene, results from a C to G substitution at nucleotide position 709. The histidine at codon 237 is replaced by aspartic acid, an amino acid with similar properties. This amino acid position is conserved. In addition, this alteration is predicted to be tolerated by in silico analysis. Since supporting evidence is limited at this time, the clinical significance of this alteration remains unclear.

NM_002432.3(MNDA):c.709C>G (p.His237Asp)

Gene: MNDA (myeloid cell nuclear differentiation antigen; plus strand). Cytogenetic location: 1q23.1.
Variant type: single nucleotide variant.
Coding change: c.709C>G on transcript NM_002432.3 (MANE Select); coding-DNA position 709, C replaced by G.
Protein change: p.His237Asp; replaces histidine 237 with aspartic acid.
Molecular consequence: missense variant.
Genome position (GRCh38, 1-based): chr1:158,845,725, C>G. VCF-style: chr1-158845725-C-G. GRCh37 (hg19) VCF-style: chr1-158815515-C-G.
Other names: short protein forms H237D.
Identifiers: ClinVar variation 1757132 (VCV001757132.3), dbSNP rs777126269, ClinGen allele CA1185694.
Genomic context (GRCh38, chr1:158,845,725, plus strand): 5'-CTGAAAGCAACAGCGCCATTTAAATACGAGTCCCCAGAAAATGGGAAAAGCACAATGTTT[C>G]ATGCTACAGTGGCCAGTAAGACTCAATATTTCCATGTGAAAGTCTTCGACATCAACTTGA-3'
Protein context (NP_002423.1, residues 227-247): SPENGKSTMF[His237Asp]ATVASKTQYF